The following is an entry in ClinVar:

ClinVar aggregate classification (germline): Uncertain significance (1 of 4 stars; one submission).

Conditions:
Autosomal recessive limb-girdle muscular dystrophy type 2W (MDRCMTT). Also called: Muscular dystrophy, limb-girdle, type 2W; Muscular dystrophy, autosomal recessive, with cardiomyopathy and triangular tongue. Identifiers: MedGen C4225192, MONDO:0014788, OMIM 616827.

Allele frequency attached by ClinVar (database versions not stated): ExAC 0.00001; gnomAD exomes 0.00001; gnomAD 0.00002; TOPMed 0.00003.

Submission:

Labcorp Genetics (formerly Invitae), Labcorp
Classification: Uncertain significance for Autosomal recessive limb-girdle muscular dystrophy type 2W. Last evaluated: 2018-10-23. Review status: criteria provided, single submitter. Criteria: Invitae Variant Classification Sherloc (09022015). Collection method: clinical testing. Allele origin: germline.
Comment: Algorithms developed to predict the effect of missense changes on protein structure and function (SIFT, PolyPhen-2, Align-GVGD) all suggest that this variant is likely to be disruptive, but these predictions have not been confirmed by published functional studies and their clinical significance is uncertain. In summary, the available evidence is currently insufficient to determine the role of this variant in disease. Therefore, it has been classified as a Variant of Uncertain Significance. This variant has not been reported in the literature in individuals with LIMS2-related disease. This variant is present in population databases (rs756099594, ExAC 0.002%). This sequence change replaces valine with isoleucine at codon 111 of the LIMS2 protein (p.Val111Ile). The valine residue is highly conserved and there is a small physicochemical difference between valine and isoleucine.

NM_001161403.3(LIMS2):c.259G>A (p.Val87Ile)

Gene: LIMS2 (LIM zinc finger domain containing 2; minus strand). Cytogenetic location: 2q14.3.
Variant type: single nucleotide variant.
Coding change: c.259G>A on transcript NM_001161403.3 (MANE Select); coding-DNA position 259, G replaced by A.
Protein change: p.Val87Ile; replaces valine 87 with isoleucine.
Molecular consequence: missense variant.
Genome position (GRCh38, 1-based): chr2:127,654,524, C>T on the plus strand (G>A on the coding strand, the complement: LIMS2 is on the minus strand). VCF-style: chr2-127654524-C-T. GRCh37 (hg19) VCF-style: chr2-128412098-C-T.
Other names: c.325G>A, p.Val109Ile (NM_001136037.4); c.244G>A, p.Val82Ile (NM_001161404.2); c.331G>A, p.Val111Ile (NM_017980.5); short protein forms V109I, V82I, V87I, V111I.
Identifiers: ClinVar variation 651516 (VCV000651516.9), dbSNP rs756099594, ClinGen allele CA1863468.